The following is an entry in ClinVar:

NM_014712.3(SETD1A):c.2682+8_2682+9del

Gene: SETD1A (SET domain containing 1A, histone lysine methyltransferase; plus strand). Cytogenetic location: 16p11.2.
Variant type: Deletion.
Coding change: c.2682+8_2682+9del on transcript NM_014712.3 (MANE Select); bases 8 to 9 of the intron after coding-DNA position 2682, 2 bases deleted (GA; older notation c.2682+8_2682+9delGA).
Molecular consequence: intron variant.
Genome position (GRCh38, 1-based): chr16:30,967,068-30,967,069, GA deleted; deleting any 2 consecutive bases within chr16:30,967,067-30,967,069 gives the same sequence; the c. name uses the placement nearest the transcript's 3' end. VCF-style (leftmost placement, unchanged base first): chr16-30967066-CAG-C. GRCh37 (hg19) VCF-style: chr16-30978387-CAG-C.
Identifiers: ClinVar variation 3234213 (VCV003234213.21), dbSNP rs772374831, ClinGen allele CA8016982.
Genomic context (GRCh38, chr16:30,967,066, plus strand): 5'-GGCTTTCGCCTTTGGGTCAGGGCTGAGAGGGGCCCTGCGGCTGCCTTCATTCAAGGTACT[CAG>C]AACTGTCGTTTTGTGGGGTAGGGTGGGGAGAGGGAGAGGGGGCCCCCTTCCTTGGGGTAG-3'

ClinVar aggregate classification (germline): Likely benign. Review status: criteria provided, multiple submitters, no conflicts (2 of 4 stars). 2 submissions from 2 submitters: Likely benign (2). Last evaluated 2024-10-08.

Submissions (2):

Blueprint Genetics
Classification: Likely benign. Last evaluated: 2024-10-08. Review status: criteria provided, single submitter. Criteria: ACMG Guidelines, 2015. Collection method: clinical testing. Allele origin: germline.

CeGaT Center for Human Genetics Tuebingen
Classification: Likely benign. Last evaluated: 2024-04-01. Review status: criteria provided, single submitter. Criteria: CeGaT Center For Human Genetics Tuebingen Variant Classification Criteria Version 2. Collection method: clinical testing. Allele origin: germline. Affected: yes. Observed: 1 variant allele.
Comment: SETD1A: BP4, BS1